The following is an entry in ClinVar:

ClinVar aggregate classification (germline): Pathogenic/Likely pathogenic. Review status: criteria provided, multiple submitters, no conflicts (2 of 4 stars). 10 submissions from 10 submitters: Pathogenic (3); Likely pathogenic (5). 2 of the submissions do not count toward it. Last evaluated 2025-08-05.

Conditions:
VPS13B-related disorder. Also called: VPS13B-related condition.
Cohen syndrome (COH1). Also called: PEPPER SYNDROME; Cutis verticis gyrata, retinitis pigmentosa, and sensorineural deafness. Identifiers: Orphanet 193, MedGen C0265223, MONDO:0008999, OMIM 216550.
Abnormality of the nervous system. Also called: Congenital nervous system disorder. Identifiers: MedGen C0497552, MONDO:0002320, HP:0000707.

Allele frequency attached by ClinVar (database versions not stated): gnomAD exomes below 0.00001; ExAC 0.00001; gnomAD 0.00001; TOPMed 0.00001.
gnomAD v4.1: 8 of 1,613,930 alleles (0.0005%); highest among the groups gnomAD compares: African/African-American, 0.0013%; no homozygotes.

Submissions (10):

Natera, Inc.
Classification: Pathogenic for Cohen syndrome. Last evaluated: 2025-08-05. Review status: criteria provided, single submitter. Criteria: Natera Variant Classification Schema (03/2026). Collection method: clinical testing. Allele origin: germline.
Comment: The c.11833C>T variant in VPS13B is a nonsense variant predicted to introduce a stop codon at amino acid 3945. This variant is expected to result in nonsense mediated decay, truncation, or a dysfunctional protein product. This variant is rare in the general population with a frequency below the threshold expected for the associated phenotype(s). This variant has been observed in one or more individuals affected with the associated recessive disease, as either homozygous or compound heterozygous with a second variant (PMID: 36067876, 34644002, 38771357). Given the available evidence, this variant is classified as Pathogenic.

GeneDx
Classification: Likely pathogenic. Last evaluated: 2025-02-07. Review status: criteria provided, single submitter. Criteria: GeneDx Variant Classification Process June 2021. Collection method: clinical testing. Allele origin: germline. Affected: yes.
Comment: Nonsense variant predicted to result in protein truncation, as the last 78 amino acid(s) are lost, and other loss-of-function variants have been reported downstream in HGMD; Not observed at significant frequency in large population cohorts (gnomAD); This variant is associated with the following publications: (PMID: 36067876, 38771357, 34644002, 38374194)

Dasa
Classification: Likely pathogenic for Cohen syndrome. Last evaluated: 2025-01-05. Review status: criteria provided, single submitter. Criteria: DASA Assertion Criteria. Collection method: clinical testing. Allele origin: germline.
Comment: NM_152564.5(VPS13B):c.11758C>T (p.Arg3920*) is a nonsense variant in VPS13B predicted to introduce a premature termination codon and is predicted to result in an absent or altered protein product. Loss of function is an established disease mechanism for VPS13B-associated disorders. This variant has been reported in individuals with VPS13B-related disorders (PMID: 34644002). Also, this variant is rare in population databases. Based on the currently available evidence, this variant is classified as likely pathogenic.

Blueprint Genetics
Classification: Pathogenic for VPS13B-related disorders. Last evaluated: 2024-03-08. Review status: criteria provided, single submitter. Criteria: ACMG Guidelines, 2015. Collection method: clinical testing. Allele origin: germline. Affected: yes. Observed: 3 variant alleles.

Labcorp Genetics (formerly Invitae), Labcorp
Classification: Pathogenic for Cohen syndrome. Last evaluated: 2023-12-19. Review status: criteria provided, single submitter. Criteria: Invitae Variant Classification Sherloc (09022015). Collection method: clinical testing. Allele origin: germline.
Comment: This sequence change creates a premature translational stop signal (p.Arg3945*) in the VPS13B gene. While this is not anticipated to result in nonsense mediated decay, it is expected to disrupt the last 78 amino acid(s) of the VPS13B protein. This variant is present in population databases (no rsID available, gnomAD 0.0009%). This variant has not been reported in the literature in individuals affected with VPS13B-related conditions. ClinVar contains an entry for this variant (Variation ID: 550808). Algorithms developed to predict the effect of sequence changes on RNA splicing suggest that this variant may disrupt the consensus splice site. This variant disrupts a region of the VPS13B protein in which other variant(s) (p.Asn3954Lysfs*60) have been determined to be pathogenic (PMID: 20656880). This suggests that this is a clinically significant region of the protein, and that variants that disrupt it are likely to be disease-causing. For these reasons, this variant has been classified as Pathogenic.

Greenwood Genetic Center Diagnostic Laboratories, Greenwood Genetic Center
Classification: Likely pathogenic for Cohen syndrome. Last evaluated: 2022-12-12. Review status: criteria provided, single submitter. Criteria: ACMG Guidelines, 2015. Collection method: clinical testing. Allele origin: germline. Affected: yes.
Comment: PVS1, PM2

CeGaT Center for Human Genetics Tuebingen
Classification: Likely pathogenic. Last evaluated: 2022-06-01. Review status: criteria provided, single submitter. Criteria: CeGaT Center For Human Genetics Tuebingen Variant Classification Criteria Version 2. Collection method: clinical testing. Allele origin: germline. Affected: yes. Observed: 1 variant allele.
Comment: VPS13B: PM2, PM3, PVS1:Moderate, PP4

Kariminejad - Najmabadi Pathology & Genetics Center
Classification: Likely pathogenic for Abnormality of the nervous system. Last evaluated: 2021-07-10. Review status: criteria provided, single submitter. Criteria: ACMG Guidelines, 2015. Collection method: clinical testing. Allele origin: germline.

Laboratory of Immunopathology and Genetics, Medical Laboratory of Pediatric Oncology and Hematology, Central Clinical Hospital of the Medical University of Lodz
Classification: Pathogenic for Cohen syndrome. Last evaluated: 2024-12-01. Review status: no assertion criteria provided. Collection method: clinical testing. Allele origin: germline. Affected: yes. Observed: 1 variant allele. Not counted in ClinVar's aggregate classification.

Counsyl
Classification: Likely pathogenic for Cohen syndrome. Last evaluated: 2017-02-22. Review status: no assertion criteria provided. Collection method: clinical testing. Allele origin: unknown. Not counted in ClinVar's aggregate classification.

Literature cited by the submitters: PubMed 36067876 (cited by Natera, Inc.); PubMed 34644002 (cited by Natera, Inc. and Dasa); PubMed 38771357 (cited by Natera, Inc.); PubMed 20656880 (cited by Labcorp Genetics (formerly Invitae), Labcorp).

NM_152564.5(VPS13B):c.11758C>T (p.Arg3920Ter)

Gene: VPS13B (vacuolar protein sorting 13 homolog B; plus strand). Cytogenetic location: 8q22.2.
Variant type: single nucleotide variant.
Coding change: c.11758C>T on transcript NM_152564.5 (MANE Select); coding-DNA position 11758, C replaced by T.
Protein change: p.Arg3920Ter; replaces arginine 3920 with a stop codon.
Molecular consequence: nonsense.
Genome position (GRCh38, 1-based): chr8:99,875,430, C>T. VCF-style: chr8-99875430-C-T. GRCh37 (hg19) VCF-style: chr8-100887658-C-T.
Other names: c.11833C>T (NM_017890.3); c.11833C>T, p.Arg3945Ter (NM_017890.5); short protein forms R3920*, R3945*.
Identifiers: ClinVar variation 550808 (VCV000550808.71), dbSNP rs933746831, ClinGen allele CA4825339.